The following is an entry in ClinVar:

ClinVar aggregate classification (germline): Likely pathogenic (1 of 4 stars; one submission).

Submission:

GeneDx
Classification: Likely pathogenic. Last evaluated: 2019-01-14. Review status: criteria provided, single submitter. Criteria: GeneDx Variant Classification (06012015). Collection method: clinical testing. Allele origin: germline. Affected: yes.
Comment: The H115Y hemizygous variant in the CYBB gene has previously been reported in at least one individual with chronic granulomatous disease (Roos et al., 2010). This variant is not observed in large population cohorts (Lek et al., 2016; 1000 Genomes Consortium et al., 2015; Exome Variant Server). The H115Y variant is a non-conservative amino acid substitution, which is likely to impact secondary protein structure as these residues differ in polarity, charge, size and/or other properties. This substitution occurs at a position that is conserved across species, and is located within the region critical for heme binding and biosynthetic maturation of flavocytrochrome b 558 (Biberstine-Kinkade et al., 2011). Furthermore, in silico analysis predicts this variant is probably damaging to the protein structure/function. A missense variant in the same residue (H115Q) has been reported in association with chronic granulomatous disease, supporting the functional importance of this region of the protein (Heyworth et al., 2001). Based on the currently available information, H115Y is a strong candidate for a pathogenic variant. However, the possibility that is may be a rare benign variant cannot be excluded.

NM_000397.4(CYBB):c.343C>T (p.His115Tyr)

Gene: CYBB (cytochrome b-245 beta chain; plus strand). Cytogenetic location: Xp21.1.
Variant type: single nucleotide variant.
Coding change: c.343C>T on transcript NM_000397.4 (MANE Select); coding-DNA position 343, C replaced by T.
Protein change: p.His115Tyr; replaces histidine 115 with tyrosine.
Molecular consequence: missense variant.
Genome position (GRCh38, 1-based): chrX:37,793,670, C>T. VCF-style: chrX-37793670-C-T. GRCh37 (hg19) VCF-style: chrX-37652923-C-T.
Other names: short protein forms H115Y.
Identifiers: ClinVar variation 429474 (VCV000429474.2), dbSNP rs1131691401, ClinGen allele CA412974970.
Genomic context (GRCh38, chrX:37,793,670, plus strand): 5'-AATAAATTTGTTCATACCCTTCATTCTCTTTGTTTCTCTTCTCTGCCCTTTTCAGCGATT[C>T]ACACCATTGCACATCTATTTAATGTGGAATGGTGTGTGAATGCCCGAGTCAATAATTCTG-3'
Protein context (NP_000388.2, residues 105-125): AWMIALHSAI[His115Tyr]TIAHLFNVEW